The following is an entry in ClinVar:

ClinVar aggregate classification (germline): Pathogenic/Likely pathogenic. Review status: no assertion criteria provided (0 of 4 stars). 2 submissions from 2 submitters: Pathogenic (1); Likely pathogenic (1). Last evaluated 1992-06-01.

Conditions:
Ornithine aminotransferase deficiency (GACR). Also called: HYPERORNITHINEMIA WITH GYRATE ATROPHY OF CHOROID AND RETINA; Ornithine ketoacid aminotransferase deficiency; Gyrate atrophy; Gyrate atrophy of choroid and retina; Girate atrophy of the retina; OAT DEFICIENCY. Identifiers: Orphanet 414, MedGen C0018425, MONDO:0009796, OMIM 258870.

Allele frequency attached by ClinVar (database versions not stated): gnomAD below 0.00001 and 0.00001.
gnomAD v4.1: 1 of 1,613,944 alleles (0.000062%); highest among the groups gnomAD compares: South Asian, 0.0011%; no homozygotes.

Submissions (2):

OMIM
Classification: Pathogenic for GYRATE ATROPHY OF CHOROID AND RETINA. Last evaluated: 1992-06-01. Review status: no assertion criteria provided. Collection method: literature only. Allele origin: germline.

Juha Muilu Group; Institute for Molecular Medicine Finland (FIMM)
Classification: Likely pathogenic for Ornithine aminotransferase deficiency. Review status: no assertion criteria provided. Collection method: not provided. Allele origin: unknown.
Comment: FinDis database variant: This variant was not found or characterized by our laboratory, data were collected from public sources: see reference
ClinVar note: Converted during submission from probable-pathogenic to Likely pathogenic.

Literature cited by the submitters: PubMed 1612597 (cited by OMIM).

NM_000274.4(OAT):c.1172G>A (p.Trp391Ter)

Gene: OAT (ornithine aminotransferase; minus strand). Cytogenetic location: 10q26.13.
Variant type: single nucleotide variant.
Coding change: c.1172G>A on transcript NM_000274.4 (MANE Select); coding-DNA position 1172, G replaced by A.
Protein change: p.Trp391Ter; replaces tryptophan 391 with a stop codon.
Molecular consequence: nonsense.
Genome position (GRCh38, 1-based): chr10:124,398,090, C>T on the plus strand (G>A on the coding strand, the complement: OAT is on the minus strand). VCF-style: chr10-124398090-C-T. GRCh37 (hg19) VCF-style: chr10-126086659-C-T.
Other names: c.758G>A, p.Trp253Ter (NM_001171814.2); c.1172G>A, p.Trp391Ter (NM_001322965.2, NM_001322966.2, NM_001322967.2 and 3 more transcripts); c.851G>A, p.Trp284Ter (NM_001322971.2); c.572G>A, p.Trp191Ter (NM_001322974.2); short protein forms W391*, W253*, W284*, W191*.
Identifiers: ClinVar variation 171 (VCV000000171.2), dbSNP rs386833596, ClinGen allele CA113984.